The following is an entry in ClinVar:

NM_000096.4(CP):c.151C>T (p.His51Tyr)

Gene: CP (ceruloplasmin; minus strand). Cytogenetic location: 3q25.1.
Variant type: single nucleotide variant.
Coding change: c.151C>T on transcript NM_000096.4 (MANE Select); coding-DNA position 151, C replaced by T.
Protein change: p.His51Tyr; replaces histidine 51 with tyrosine.
Molecular consequence: missense variant. On other transcripts: non-coding transcript variant (1).
Genome position (GRCh38, 1-based): chr3:149,212,694, G>A on the plus strand (C>T on the coding strand, the complement: CP is on the minus strand). VCF-style: chr3-149212694-G-A. GRCh37 (hg19) VCF-style: chr3-148930481-G-A.
Other names: short protein forms H51Y.
Identifiers: ClinVar variation 343789 (VCV000343789.6), dbSNP rs150681942, ClinGen allele CA2661371.
Genomic context (GRCh38, chr3:149,212,694, plus strand): 5'-GGGCCTTCTTATATAGTCTCCCAATTCTATCTGGGCCATTTTGAAGATAGATATTGGAAT[G>A]TTCCCTGCAAAGAAAAACAAGACAACTCTATCAGAAGCCATCATTTCTAGGGATGACATT-3'
Protein context (NP_000087.2, residues 41-61): EKKLISVDTE[His51Tyr]SNIYLQNGPD

ClinVar aggregate classification (germline): Uncertain significance. Review status: criteria provided, multiple submitters, no conflicts (2 of 4 stars). 2 submissions from 2 submitters: Uncertain significance (2). Last evaluated 2021-09-24.

Conditions:
Deficiency of ferroxidase (ACEP). Also called: Aceruloplasminemia; Ceruloplasmin deficiency; Familial apoceruloplasmin deficiency; Hereditary ceruloplasmin deficiency; Deficiency of ceruloplasmin; NEURODEGENERATION WITH BRAIN IRON ACCUMULATION 10. Identifiers: Orphanet 48818, MedGen C0878682, MONDO:0011426, OMIM 604290, HP:0025498.

Allele frequency attached by ClinVar (database versions not stated): ExAC 0.00007; gnomAD exomes 0.00007 and 0.00020; TOPMed 0.00011; gnomAD 0.00014 and 0.00015; ESP Exome Variant Server 0.00038.
gnomAD v4.1: 305 of 1,613,322 alleles (0.019%); highest among the groups gnomAD compares: Non-Finnish European, 0.025%; no homozygotes.

Submissions (2):

Labcorp Genetics (formerly Invitae), Labcorp
Classification: Uncertain significance for Deficiency of ferroxidase. Last evaluated: 2021-09-24. Review status: criteria provided, single submitter. Criteria: Invitae Variant Classification Sherloc (09022015). Collection method: clinical testing. Allele origin: germline.
Comment: This sequence change replaces histidine with tyrosine at codon 51 of the CP protein (p.His51Tyr). The histidine residue is moderately conserved and there is a moderate physicochemical difference between histidine and tyrosine. This variant is present in population databases (rs150681942, ExAC 0.01%). This variant has not been reported in the literature in individuals affected with CP-related conditions. ClinVar contains an entry for this variant (Variation ID: 343789). Algorithms developed to predict the effect of missense changes on protein structure and function are either unavailable or do not agree on the potential impact of this missense change (SIFT: "Deleterious"; PolyPhen-2: "Benign"; Align-GVGD: "Class C25"). In summary, the available evidence is currently insufficient to determine the role of this variant in disease. Therefore, it has been classified as a Variant of Uncertain Significance.

Illumina Laboratory Services, Illumina
Classification: Uncertain significance for Deficiency of ferroxidase. Last evaluated: 2018-01-13. Review status: criteria provided, single submitter. Criteria: ICSL Variant Classification Criteria 13 December 2019. Collection method: clinical testing. Allele origin: germline.